The following is an entry in ClinVar:

ClinVar aggregate classification (germline): Uncertain significance. Review status: criteria provided, multiple submitters, no conflicts (2 of 4 stars). 2 submissions from 2 submitters: Uncertain significance (2). Last evaluated 2025-04-07.

Conditions:
Epilepsy, familial focal, with variable foci 1 (FFEVF1). Also called: DEPDC5-Related Epilepsy. Identifiers: MedGen C4551983, MONDO:0024556, OMIM 604364.
Familial focal epilepsy with variable foci (FPEVF). Identifiers: Orphanet 98820, MedGen C1858477, MONDO:0020310.

Allele frequency attached by ClinVar (database versions not stated): TOPMed 0.00001.
gnomAD v4.1: 16 of 1,613,954 alleles (0.00099%); highest among the groups gnomAD compares: Admixed American, 0.0033%; no homozygotes.

Submissions (2):

Labcorp Genetics (formerly Invitae), Labcorp
Classification: Uncertain significance for Familial focal epilepsy with variable foci. Last evaluated: 2025-04-07. Review status: criteria provided, single submitter. Criteria: Invitae Variant Classification Sherloc (09022015). Collection method: clinical testing. Allele origin: germline.
Comment: This sequence change replaces glycine, which is neutral and non-polar, with serine, which is neutral and polar, at codon 1545 of the DEPDC5 protein (p.Gly1545Ser). This variant is present in population databases (no rsID available, gnomAD 0.006%). This missense change has been observed in individual(s) with febrile seizures (PMID: 32848577). ClinVar contains an entry for this variant (Variation ID: 1437436). Experimental studies and prediction algorithms are not available or were not evaluated, and the functional significance of this variant is currently unknown. In summary, the available evidence is currently insufficient to determine the role of this variant in disease. Therefore, it has been classified as a Variant of Uncertain Significance.

Victorian Clinical Genetics Services, Murdoch Childrens Research Institute
Classification: Uncertain significance for Epilepsy, familial focal, with variable foci 1. Last evaluated: 2022-06-24. Review status: criteria provided, single submitter. Criteria: ACMG Guidelines, 2015. Collection method: clinical testing. Allele origin: germline. Inheritance: Autosomal dominant inheritance. Affected: yes.
Comment: Based on the classification scheme VCGS_Germline_v1.3.4, this variant is classified as VUS-3B. Following criteria are met: 0102 - Loss of function is a known mechanism of disease in this gene and is associated with familial focal epilepsy with variable foci 1 (MIM#604364). (I) 0107 - This gene is associated with autosomal dominant disease. (I) 0112 - The condition associated with this gene has incomplete penetrance. Unaffected individuals with pathogenic familial variants are commonly reported, with penetrance estimated to be between 66% and 70% (PMIDs: 30767899, 32848577). (I) 0115 - Variants in this gene are known to have variable expressivity. Disease presentation in affected individuals is known to vary considerably even within the same family, from mild febrile seizures to severe focal epilepsy with cortical malformations (PMIDs: 27066554, 32848577). (I) 0200 - Variant is predicted to result in a missense amino acid change from glycine to serine. (I) 0251 - This variant is heterozygous. (I) 0302 - Variant is present in gnomAD (v2) <0.001 for a dominant condition (3 heterozygotes, 0 homozygotes). (SP) 0309 - An alternative amino acid change at the same position has been observed in gnomAD (v2) (1 heterozygote, 0 homozygotes). (I) 0502 - Missense variant with conflicting in silico predictions and high conservation. (I) 0600 - Variant is located in the annotated C-terminal domain (DECIPHER, PMID: 32848577). (I) 0705 - No comparable missense variants have previous evidence for pathogenicity. (I) 0809 - Previous evidence of pathogenicity for this variant is inconclusive. This variant has been classified as a VUS by a clinical laboratory in ClinVar who observed this variant in a teenager with developmental delay and epilepsy, and their unaffected parent (personal communication). This variant was also reported in the literature in a father and son with seizures (PMID: 32848577). (I) 1007 - No published functional evidence has been identified for this variant. (I) 1208 - Inheritance information for this variant is not currently available in this individual. (I) Legend: (SP) - Supporting pathogenic, (I) - Information, (SB) - Supporting benign

Literature cited by the submitters: PubMed 32848577 (cited by Labcorp Genetics (formerly Invitae), Labcorp and Victorian Clinical Genetics Services, Murdoch Childrens Research Institute); PubMed 27066554 (cited by Victorian Clinical Genetics Services, Murdoch Childrens Research Institute); PubMed 30767899 (cited by Victorian Clinical Genetics Services, Murdoch Childrens Research Institute).

NM_001242896.3(DEPDC5):c.4633G>A (p.Gly1545Ser)

Gene: DEPDC5 (DEP domain containing 5, GATOR1 subcomplex subunit; plus strand). Cytogenetic location: 22q12.3.
Variant type: single nucleotide variant.
Coding change: c.4633G>A on transcript NM_001242896.3 (MANE Select); coding-DNA position 4633, G replaced by A.
Protein change: p.Gly1545Ser; replaces glycine 1545 with serine.
Molecular consequence: missense variant. On other transcripts: non-coding transcript variant (5).
Genome position (GRCh38, 1-based): chr22:31,906,318, G>A. VCF-style: chr22-31906318-G-A. GRCh37 (hg19) VCF-style: chr22-32302304-G-A.
Other names: c.4606G>A, p.Gly1536Ser (NM_001136029.4); c.4333G>A, p.Gly1445Ser (NM_001242897.2); c.4567G>A, p.Gly1523Ser (NM_001363852.2, NM_001364320.2); c.4399G>A, p.Gly1467Ser (NM_001363854.2, NM_001364319.2); c.4633G>A, p.Gly1545Ser (NM_001364318.2); c.4549G>A, p.Gly1517Ser (NM_001369901.1, NM_001369902.1); c.4540G>A, p.Gly1514Ser (NM_001369903.1, NM_014662.6); short protein forms G1445S, G1514S, G1536S, G1467S, G1523S, G1517S, G1545S.
Identifiers: ClinVar variation 1437436 (VCV001437436.10), dbSNP rs1229311796, ClinGen allele CA411292594.